The following is an entry in ClinVar:

NC_000003.11:g.(?_52018081)_(52188388_?)del

Genes: ACY1 (aminoacylase 1; plus strand), DUSP7 (dual specificity phosphatase 7; minus strand), POC1A (POC1 centriolar protein A; minus strand), RPL29 (ribosomal protein L29; minus strand). Cytogenetic location: 3p21.2.
Variant type: Deletion.
Identifiers: ClinVar variation 2426146 (VCV002426146.4).

ClinVar aggregate classification (germline): Pathogenic (1 of 4 stars; one submission).

Submission:

Labcorp Genetics (formerly Invitae), Labcorp
Classification: Pathogenic. Last evaluated: 2022-04-03. Review status: criteria provided, single submitter. Criteria: Invitae Variant Classification Sherloc (09022015). Collection method: clinical testing. Allele origin: germline.
Comment: For these reasons, this variant has been classified as Pathogenic. This variant has not been reported in the literature in individuals affected with POC1A-related conditions. A gross deletion of the genomic region encompassing the full coding sequence of the POC1A gene has been identified. Loss-of-function variants in POC1A are known to be pathogenic (PMID: 22840364, 26336158, 26374189). The boundaries of this event are unknown as they extend beyond the assayed region for this gene and therefore may encompass additional genes.

Literature cited by the submitters: PubMed 22840364; PubMed 26336158; PubMed 26374189.